The following is an entry in ClinVar:

NM_000059.4(BRCA2):c.7047T>G (p.Phe2349Leu)

Gene: BRCA2 (BRCA2 DNA repair associated; plus strand). Cytogenetic location: 13q13.1.
Variant type: single nucleotide variant.
Coding change: c.7047T>G on transcript NM_000059.4 (MANE Select); coding-DNA position 7047, T replaced by G.
Protein change: p.Phe2349Leu; replaces phenylalanine 2349 with leucine.
Molecular consequence: missense variant.
Genome position (GRCh38, 1-based): chr13:32,354,900, T>G. VCF-style: chr13-32354900-T-G. GRCh37 (hg19) VCF-style: chr13-32929037-T-G.
Other names: c.6951T>G, p.Phe2317Leu (NM_001406719.1); c.7047T>G, p.Phe2349Leu (NM_001406720.1); c.2115T>G, p.Phe705Leu (NM_001406721.1); c.630T>G, p.Phe210Leu (NM_001406722.1); short protein forms F2349L, F210L, F705L, F2317L.
Identifiers: ClinVar variation 1756858 (VCV001756858.4), dbSNP rs1555285985, ClinGen allele CA387738171.
Genomic context (GRCh38, chr13:32,354,900, plus strand): 5'-TATATTTTCTCCCCATTGCAGCACAACTAAGGAACGTCAAGAGATACAGAATCCAAATTT[T>G]ACCGCACCTGGTCAAGAATTTCTGTCTAAATCTCATTTGTATGAACATCTGACTTTGGAA-3'
Protein context (NP_000050.3, residues 2339-2359): KERQEIQNPN[Phe2349Leu]TAPGQEFLSK

ClinVar aggregate classification (germline): Uncertain significance. Review status: criteria provided, multiple submitters, no conflicts (2 of 4 stars). 2 submissions from 2 submitters: Uncertain significance (2). Last evaluated 2025-01-14.

Conditions:
Hereditary cancer-predisposing syndrome. Also called: Neoplastic Syndromes, Hereditary; Tumor predisposition; Hereditary Cancer Syndrome; Hereditary neoplastic syndrome. Identifiers: Orphanet 140162, MedGen C0027672, MeSH D009386, MONDO:0015356.

Submissions (2):

Ambry Genetics
Classification: Uncertain significance for Hereditary cancer-predisposing syndrome. Last evaluated: 2025-01-14. Review status: criteria provided, single submitter. Criteria: Ambry Variant Classification Scheme 2023. Collection method: clinical testing. Allele origin: germline.
Comment: The p.F2349L variant (also known as c.7047T>G), located in coding exon 13 of the BRCA2 gene, results from a T to G substitution at nucleotide position 7047. The phenylalanine at codon 2349 is replaced by leucine, an amino acid with highly similar properties. This variant was detected and reported as an unclassified variant in a contralateral breast cancer patient in a cohort of 705 contralateral and 1398 unilateral breast cancer patients (Borg A et al. Hum. Mutat., 2010 Mar;31:E1200-40). This amino acid position is not well conserved in available vertebrate species, and leucine is the reference amino acid in other vertebrate species. In addition, this alteration is predicted to be tolerated by in silico analysis. Since supporting evidence is limited at this time, the clinical significance of this alteration remains unclear.

Quest Diagnostics Nichols Institute San Juan Capistrano
Classification: Uncertain significance. Last evaluated: 2022-11-01. Review status: criteria provided, single submitter. Criteria: Quest Diagnostics criteria. Collection method: clinical testing. Allele origin: unknown.
Comment: This variant has not been described in online databases. It also has not been reported in large, multi-ethnic general populations. In the published literature, the variant has been predicted to be benign (PMID: 29884841 (2019)). Analysis of this variant using bioinformatics tools for the prediction of the effect of amino acid changes on protein structure and function yielded predictions that this variant is benign. Based on the available information, we are unable to determine the clinical significance of this variant.

Literature cited by the submitters: PubMed 20104584 (cited by Ambry Genetics); PubMed 29884841 (cited by Quest Diagnostics Nichols Institute San Juan Capistrano).